The following is an entry in ClinVar:

ClinVar aggregate classification (germline): Uncertain significance (1 of 4 stars; one submission).

Allele frequency attached by ClinVar (database versions not stated): gnomAD 0.00001; gnomAD exomes 0.00001; TOPMed 0.00001.
gnomAD v4.1: 5 of 1,603,674 alleles (0.00031%); highest among the groups gnomAD compares: Admixed American, 0.0033%; no homozygotes.

Submission:

Laboratory for Molecular Medicine, Mass General Brigham Personalized Medicine
Classification: Uncertain significance. Last evaluated: 2015-12-17. Review status: criteria provided, single submitter. Criteria: LMM Criteria. Collection method: clinical testing. Allele origin: germline. Observed: 1 variant allele.
Comment: The p.Thr827Ala variant in OTOGL has not been previously reported in individuals with hearing loss and was absent from large population studies. Computational p rediction tools and conservation analyses do not provide strong support for or a gainst an impact to the protein. In summary, the clinical significance of the p. Thr827Ala variant is uncertain.

NM_001378609.3(OTOGL):c.2506A>G (p.Thr836Ala)

Gene: OTOGL (otogelin like; plus strand). Cytogenetic location: 12q21.31.
Variant type: single nucleotide variant.
Coding change: c.2506A>G on transcript NM_001378609.3 (MANE Select); coding-DNA position 2506, A replaced by G.
Protein change: p.Thr836Ala; replaces threonine 836 with alanine.
Molecular consequence: missense variant.
Genome position (GRCh38, 1-based): chr12:80,270,142, A>G. VCF-style: chr12-80270142-A-G. GRCh37 (hg19) VCF-style: chr12-80663922-A-G.
Other names: c.2506A>G, p.Thr836Ala (NM_001368062.3, NM_001378610.3, NM_173591.7); short protein forms T827A, T836A.
Identifiers: ClinVar variation 229113 (VCV000229113.5), dbSNP rs876657946, ClinGen allele CA10576932.
Genomic context (GRCh38, chr12:80,270,142, plus strand): 5'-AACTATTTATTTACTTCTAGCCAGTGTTCAAATGGGACTGTGAAATGTGATGAATTAGCA[A>G]CGCCCTCTGCTGGTAAGATCTTAAAAGATGTTTTCCTGAATGAGGGTTCAGCTCTGATAC-3'
Protein context (NP_001365538.2, residues 826-846): NGTVKCDELA[Thr836Ala]PSAVHICPEG